The following is an entry in ClinVar:

NM_005337.5(NCKAP1L):c.2024A>C (p.Asn675Thr)

Gene: NCKAP1L (NCK associated protein 1 like; plus strand). Cytogenetic location: 12q13.2.
Variant type: single nucleotide variant.
Coding change: c.2024A>C on transcript NM_005337.5 (MANE Select); coding-DNA position 2024, A replaced by C.
Protein change: p.Asn675Thr; replaces asparagine 675 with threonine.
Molecular consequence: missense variant.
Genome position (GRCh38, 1-based): chr12:54,523,539, A>C. VCF-style: chr12-54523539-A-C. GRCh37 (hg19) VCF-style: chr12-54917323-A-C.
Other names: c.1874A>C, p.Asn625Thr (NM_001184976.2); short protein forms N625T, N675T.
Identifiers: ClinVar variation 2419789 (VCV002419789.6), dbSNP rs550339580, ClinGen allele CA6609322.

ClinVar aggregate classification (germline): Uncertain significance (1 of 4 stars; one submission).

Allele frequency attached by ClinVar (database versions not stated): gnomAD 0.00001; ExAC 0.00002; gnomAD exomes 0.00002; 1000 Genomes Project 30x 0.00016; 1000 Genomes Project 0.00020.
gnomAD v4.1: 26 of 1,612,170 alleles (0.0016%); highest among the groups gnomAD compares: South Asian, 0.029%; 1 homozygote.

Submission:

Labcorp Genetics (formerly Invitae), Labcorp
Classification: Uncertain significance. Last evaluated: 2022-09-05. Review status: criteria provided, single submitter. Criteria: Invitae Variant Classification Sherloc (09022015). Collection method: clinical testing. Allele origin: germline.
Comment: This variant has not been reported in the literature in individuals affected with NCKAP1L-related conditions. This sequence change replaces asparagine, which is neutral and polar, with threonine, which is neutral and polar, at codon 675 of the NCKAP1L protein (p.Asn675Thr). This variant is present in population databases (rs550339580, gnomAD 0.03%), including at least one homozygous and/or hemizygous individual. Algorithms developed to predict the effect of missense changes on protein structure and function output the following: SIFT: "Tolerated"; PolyPhen-2: "Benign"; Align-GVGD: "Class C0". The threonine amino acid residue is found in multiple mammalian species, which suggests that this missense change does not adversely affect protein function. In summary, the available evidence is currently insufficient to determine the role of this variant in disease. Therefore, it has been classified as a Variant of Uncertain Significance.